The following is an entry in ClinVar:

ClinVar aggregate classification (germline): Uncertain significance (1 of 4 stars; one submission).

Conditions:
Inborn genetic diseases. Identifiers: MedGen C0950123, MeSH D030342.

Submission:

Ambry Genetics
Classification: Uncertain significance for Inborn genetic diseases. Last evaluated: 2025-04-05. Review status: criteria provided, single submitter. Criteria: Ambry Variant Classification Scheme 2023. Collection method: clinical testing. Allele origin: germline.
Comment: The p.P253S variant (also known as c.757C>T), located in coding exon 5 of the ETV6 gene, results from a C to T substitution at nucleotide position 757. The proline at codon 253 is replaced by serine, an amino acid with similar properties. This amino acid position is conserved. In addition, this alteration is predicted to be tolerated by in silico analysis. Based on the available evidence, the clinical significance of this variant remains unclear.

NM_001987.5(ETV6):c.757C>T (p.Pro253Ser)

Gene: ETV6 (ETS variant transcription factor 6; plus strand). Cytogenetic location: 12p13.2.
Variant type: single nucleotide variant.
Coding change: c.757C>T on transcript NM_001987.5 (MANE Select); coding-DNA position 757, C replaced by T.
Protein change: p.Pro253Ser; replaces proline 253 with serine.
Molecular consequence: missense variant.
Genome position (GRCh38, 1-based): chr12:11,869,717, C>T. VCF-style: chr12-11869717-C-T. GRCh37 (hg19) VCF-style: chr12-12022651-C-T.
Other names: c.754C>T, p.Pro252Ser (NM_001413913.1); c.730C>T, p.Pro244Ser (NM_001413914.1); c.493C>T, p.Pro165Ser (NM_001413915.1); c.757C>T, p.Pro253Ser (NM_001413916.1, NM_001413917.1); short protein forms P165S, P252S, P253S, P244S.
Identifiers: ClinVar variation 4020056 (VCV004020056.1).